The following is an entry in ClinVar:

ClinVar aggregate classification (germline): Uncertain significance (1 of 4 stars; one submission).

Submission:

CeGaT Center for Human Genetics Tuebingen
Classification: Uncertain significance. Last evaluated: 2025-07-01. Review status: criteria provided, single submitter. Criteria: CeGaT Center For Human Genetics Tuebingen Variant Classification Criteria Version 2. Collection method: clinical testing. Allele origin: germline. Affected: yes. Observed: 1 variant allele.
Comment: PHKA2: PM2, BP4

NM_000292.3(PHKA2):c.2137T>C (p.Phe713Leu)

Gene: PHKA2 (phosphorylase kinase regulatory subunit alpha 2; minus strand). Cytogenetic location: Xp22.13.
Variant type: single nucleotide variant.
Coding change: c.2137T>C on transcript NM_000292.3 (MANE Select); coding-DNA position 2137, T replaced by C.
Protein change: p.Phe713Leu; replaces phenylalanine 713 with leucine.
Molecular consequence: missense variant.
Genome position (GRCh38, 1-based): chrX:18,918,681, A>G on the plus strand (T>C on the coding strand, the complement: PHKA2 is on the minus strand). VCF-style: chrX-18918681-A-G. GRCh37 (hg19) VCF-style: chrX-18936799-A-G.
Other names: c.2137T>C, p.Phe713Leu (NM_001440800.1, NM_001440801.1, NM_001440805.1); c.2038T>C, p.Phe680Leu (NM_001440802.1, NM_001440803.1, NM_001440804.1); short protein forms F680L, F713L.
Identifiers: ClinVar variation 4085579 (VCV004085579.8).